The following is an entry in ClinVar:

ClinVar aggregate classification (germline): Pathogenic. Review status: criteria provided, multiple submitters, no conflicts (2 of 4 stars). 2 submissions from 2 submitters: Pathogenic (2). Last evaluated 2025-12-20.

Submissions (2):

Labcorp Genetics (formerly Invitae), Labcorp
Classification: Pathogenic. Last evaluated: 2025-12-20. Review status: criteria provided, single submitter. Criteria: Invitae Variant Classification Sherloc (09022015). Collection method: clinical testing. Allele origin: germline.
Comment: This sequence change creates a premature translational stop signal (p.Ser222Argfs*3) in the CWC27 gene. It is expected to result in an absent or disrupted protein product. Loss-of-function variants in CWC27 are known to be pathogenic (PMID: 28285769). This variant is not present in population databases (gnomAD no frequency). This premature translational stop signal has been observed in individual(s) with CWC27-related conditions (PMID: 37734845). ClinVar contains an entry for this variant (Variation ID: 987419). For these reasons, this variant has been classified as Pathogenic.

Institute of Medical Genetics and Applied Genomics, University Hospital Tübingen
Classification: Pathogenic. Last evaluated: 2020-10-23. Review status: criteria provided, single submitter. Criteria: ACMG Guidelines, 2015. Collection method: clinical testing. Allele origin: germline. Inheritance: Autosomal recessive inheritance. Affected: yes.

Literature cited by the submitters: PubMed 28285769 (cited by Labcorp Genetics (formerly Invitae), Labcorp); PubMed 37734845 (cited by Labcorp Genetics (formerly Invitae), Labcorp).

NM_005869.4(CWC27):c.666_669del (p.Ser222fs)

Gene: CWC27 (CWC27 spliceosome associated cyclophilin; plus strand). Cytogenetic location: 5q12.3.
Variant type: Deletion.
Coding change: c.666_669del on transcript NM_005869.4 (MANE Select); coding-DNA positions 666 to 669, 4 bases deleted (TCAG; older notation c.666_669delTCAG).
Protein change: p.Ser222fs; shifts the reading frame from serine 222.
Molecular consequence: frameshift variant.
Genome position (GRCh38, 1-based): chr5:64,789,017-64,789,020, TCAG deleted; deleting any 4 consecutive bases within chr5:64,789,015-64,789,020 gives the same sequence; the c. name uses the placement nearest the transcript's 3' end. VCF-style (leftmost placement, unchanged base first): chr5-64789014-TAGTC-T. GRCh37 (hg19) VCF-style: chr5-64084841-TAGTC-T.
Other names: c.666_669del, p.Ser222fs (NM_001297644.1, NM_001297645.2, NM_001318000.2 and 1 more transcripts); short protein forms S222fs.
Identifiers: ClinVar variation 987419 (VCV000987419.3), dbSNP rs1743983240, ClinGen allele CA1139658860.